The following is an entry in ClinVar:

ClinVar aggregate classification (germline): Pathogenic/Likely pathogenic. Review status: criteria provided, multiple submitters, no conflicts (2 of 4 stars). 2 submissions from 2 submitters: Pathogenic (1); Likely pathogenic (1). Last evaluated 2024-10-27.

Conditions:
Exostoses, multiple, type 2 (EXT2). Also called: Hereditary Multiple Osteochondromatosis, Type II; EXOSTOSES, MULTIPLE, TYPE II. Identifiers: Orphanet 321, MedGen C1851413, MONDO:0007586, OMIM 133701.
EXT2-related disorder. Also called: EXT2-related condition.

Submissions (2):

PreventionGenetics, part of Exact Sciences
Classification: Pathogenic for EXT2-related condition. Last evaluated: 2024-10-27. Review status: criteria provided, single submitter. Criteria: ACMG Guidelines, 2015. Collection method: clinical testing. Allele origin: germline.
Comment: The EXT2 c.744-2A>G variant is predicted to disrupt the AG splice acceptor site and interfere with normal splicing. To our knowledge, this variant has not been reported in the literature, or a large population database (gnomAD), indicating this variant is rare. Variants that disrupt the consensus splice acceptor site in EXT2 are expected to be pathogenic. This variant is interpreted as pathogenic.

Molecular Diagnostics Laboratory, M Health Fairview: University of Minnesota
Classification: Likely pathogenic for Exostoses, multiple, type 2. Last evaluated: 2024-06-24. Review status: criteria provided, single submitter. Criteria: ACMG Guidelines, 2015. Collection method: clinical testing. Allele origin: germline. Affected: yes.

NM_207122.2(EXT2):c.744-2A>G

Gene: EXT2 (exostosin glycosyltransferase 2; plus strand). Cytogenetic location: 11p11.2.
Variant type: single nucleotide variant.
Coding change: c.744-2A>G on transcript NM_207122.2 (MANE Select); the canonical splice acceptor site of the intron before coding-DNA position 744, A replaced by G.
Molecular consequence: splice acceptor variant.
Genome position (GRCh38, 1-based): chr11:44,124,787, A>G. VCF-style: chr11-44124787-A-G. GRCh37 (hg19) VCF-style: chr11-44146337-A-G.
Other names: c.744-2A>G (NM_001389630.1, NM_001178083.3, NM_001389628.1 and 1 more transcripts); c.843-2A>G (NM_000401.3).
Identifiers: ClinVar variation 3252016 (VCV003252016.2), dbSNP rs864309638.